The following is an entry in ClinVar:

NM_001184.4(ATR):c.3541G>A (p.Gly1181Ser)

Gene: ATR (ATR checkpoint kinase; minus strand). Cytogenetic location: 3q23.
Variant type: single nucleotide variant.
Coding change: c.3541G>A on transcript NM_001184.4 (MANE Select); coding-DNA position 3541, G replaced by A.
Protein change: p.Gly1181Ser; replaces glycine 1181 with serine.
Molecular consequence: missense variant.
Genome position (GRCh38, 1-based): chr3:142,540,944, C>T on the plus strand (G>A on the coding strand, the complement: ATR is on the minus strand). VCF-style: chr3-142540944-C-T. GRCh37 (hg19) VCF-style: chr3-142259786-C-T.
Other names: c.3349G>A, p.Gly1117Ser (NM_001354579.2); short protein forms G1181S, G1117S.
Identifiers: ClinVar variation 1391851 (VCV001391851.6), dbSNP rs756014190, ClinGen allele CA2650084.

ClinVar aggregate classification (germline): Uncertain significance (1 of 4 stars; one submission).

Allele frequency attached by ClinVar (database versions not stated): gnomAD exomes below 0.00001; TOPMed below 0.00001; ExAC 0.00001.
gnomAD v4.1: 2 of 1,613,392 alleles (0.00012%); highest among the groups gnomAD compares: Non-Finnish European, 0.000085%; no homozygotes.

Submission:

Labcorp Genetics (formerly Invitae), Labcorp
Classification: Uncertain significance. Last evaluated: 2021-11-08. Review status: criteria provided, single submitter. Criteria: Invitae Variant Classification Sherloc (09022015). Collection method: clinical testing. Allele origin: germline.
Comment: This sequence change replaces glycine, which is neutral and non-polar, with serine, which is neutral and polar, at codon 1181 of the ATR protein (p.Gly1181Ser). This variant is present in population databases (rs756014190, gnomAD 0.01%). This variant has not been reported in the literature in individuals affected with ATR-related conditions. Algorithms developed to predict the effect of missense changes on protein structure and function are either unavailable or do not agree on the potential impact of this missense change (SIFT: "Tolerated"; PolyPhen-2: "Probably Damaging"; Align-GVGD: "Class C0"). In summary, the available evidence is currently insufficient to determine the role of this variant in disease. Therefore, it has been classified as a Variant of Uncertain Significance.